The following is an entry in ClinVar:

NM_001349253.2(SCN11A):c.673C>T (p.Arg225Cys)

Gene: SCN11A (sodium voltage-gated channel alpha subunit 11; minus strand). Cytogenetic location: 3p22.2.
Variant type: single nucleotide variant.
Coding change: c.673C>T on transcript NM_001349253.2 (MANE Select); coding-DNA position 673, C replaced by T.
Protein change: p.Arg225Cys; replaces arginine 225 with cysteine.
Molecular consequence: missense variant.
Genome position (GRCh38, 1-based): chr3:38,925,454, G>A on the plus strand (C>T on the coding strand, the complement: SCN11A is on the minus strand). VCF-style: chr3-38925454-G-A. GRCh37 (hg19) VCF-style: chr3-38966945-G-A.
Other names: c.673C>T, p.Arg225Cys (NM_014139.3); short protein forms R225C.
Identifiers: ClinVar variation 69850 (VCV000069850.31), dbSNP rs138607170, ClinGen allele CA145434.

ClinVar aggregate classification (germline): Pathogenic/Likely pathogenic. Review status: criteria provided, multiple submitters, no conflicts (2 of 4 stars). 5 submissions from 5 submitters: Pathogenic (3); Likely pathogenic (1). 1 of the submissions does not count toward it. Last evaluated 2026-04-06.

Conditions:
SCN11A-related disorder. Also called: SCN11A-related condition.
Hereditary sensory and autonomic neuropathy type 7. Also called: HSAN VII; Neuropathy, hereditary sensory and autonomic, type VII. Identifiers: Orphanet 391397, MedGen C3809882, MONDO:0014244, OMIM 615548.
Familial episodic pain syndrome with predominantly lower limb involvement. Also called: Episodic pain syndrome, familial, 3. Identifiers: Orphanet 391384, Orphanet 391392, MedGen C3809899, MONDO:0014247, OMIM 615552.
Inborn genetic diseases. Identifiers: MedGen C0950123, MeSH D030342.

Allele frequency attached by ClinVar (database versions not stated): gnomAD exomes below 0.00001; TOPMed below 0.00001; ExAC 0.00001; gnomAD 0.00001.
gnomAD v4.1: 8 of 1,613,718 alleles (0.0005%); highest among the groups gnomAD compares: African/African-American, 0.0013%; no homozygotes.

Submissions (5):

PreventionGenetics, part of Exact Sciences
Classification: Pathogenic for SCN11A-related condition. Last evaluated: 2026-04-06. Review status: criteria provided, single submitter. Criteria: ACMG Guidelines, 2015. Collection method: clinical testing. Allele origin: germline.
Comment: The SCN11A c.673C>T variant is predicted to result in the amino acid substitution p.Arg225Cys. This variant was reported in many individuals with episodic pain syndrome and had been shown to segregate with disease within families (Zhang et al. 2013. PubMed ID: 24207120; Leng et al. 2017. PubMed ID: 28298626; Castoro et al. 2018. PubMed ID: 30046661; Kabata et al. 2018. PubMed ID: 30557356; Noguchi et al. 2024. PubMed ID: 38999942). In a mouse model, this variant was shown to increase current density and excitability of dorsal root ganglia neurons, consistent with a gain of function mechanism (Zhang et al. 2013. PubMed ID: 24207120). This variant is reported in 0.00088% of alleles in individuals of European (Non-Finnish) descent in gnomAD. This variant is interpreted as pathogenic.

CeGaT Center for Human Genetics Tuebingen
Classification: Likely pathogenic. Last evaluated: 2024-02-01. Review status: criteria provided, single submitter. Criteria: CeGaT Center For Human Genetics Tuebingen Variant Classification Criteria Version 2. Collection method: clinical testing. Allele origin: germline. Affected: yes. Observed: 1 variant allele.
Comment: SCN11A: PP1:Strong, PM2, PS4:Moderate, PS3:Supporting

Labcorp Genetics (formerly Invitae), Labcorp
Classification: Pathogenic for Familial episodic pain syndrome with predominantly lower limb involvement; Hereditary sensory and autonomic neuropathy type 7. Last evaluated: 2022-12-23. Review status: criteria provided, single submitter. Criteria: Invitae Variant Classification Sherloc (09022015). Collection method: clinical testing. Allele origin: germline.
Comment: Advanced modeling of protein sequence and biophysical properties (such as structural, functional, and spatial information, amino acid conservation, physicochemical variation, residue mobility, and thermodynamic stability) performed at Invitae indicates that this missense variant is expected to disrupt SCN11A protein function. This sequence change replaces arginine, which is basic and polar, with cysteine, which is neutral and slightly polar, at codon 225 of the SCN11A protein (p.Arg225Cys). This variant is present in population databases (rs138607170, gnomAD 0.0009%). This missense change has been observed in individuals with familial episodic pain syndrome (PMID: 24207120, 28298626, 30046661, 30557356). It has also been observed to segregate with disease in related individuals. ClinVar contains an entry for this variant (Variation ID: 69850). Experimental studies are conflicting or provide insufficient evidence to determine the effect of this variant on SCN11A function (PMID: 24207120). For these reasons, this variant has been classified as Pathogenic.

Ambry Genetics
Classification: Pathogenic for Inborn genetic diseases. Last evaluated: 2022-02-10. Review status: criteria provided, single submitter. Criteria: Ambry Variant Classification Scheme 2023. Collection method: clinical testing. Allele origin: germline.
Comment: The c.673C>T (p.R225C) alteration is located in exon 5 (coding exon 5) of the SCN11A gene. This alteration results from a C to T substitution at nucleotide position 673, causing the arginine (R) at amino acid position 225 to be replaced by a cysteine (C). This allele was reported in one heterozygous individual in population-based cohorts in the Genome Aggregation Database (gnomAD). This alteration has been reported in multiple families with episodic pain (Zhang, 2013; Leng, 2017; Castoro, 2018). This amino acid position is highly conserved in available vertebrate species. Functional analysis demonstrated that the p.R225C alteration enhanced electrical channel activity and induced hyperexcitability of mouse dorsal root ganglion neurons (Zhang, 2013). This alteration is predicted to be deleterious by in silico analysis. Based on the available evidence, this alteration is classified as pathogenic.

OMIM
Classification: Pathogenic for EPISODIC PAIN SYNDROME, FAMILIAL, 3. Last evaluated: 2013-11-07. Review status: no assertion criteria provided. Collection method: literature only. Allele origin: germline. Not counted in ClinVar's aggregate classification.

Literature cited by the submitters: PubMed 24207120 (cited by 3 submitters); PubMed 28298626 (cited by Labcorp Genetics (formerly Invitae), Labcorp and Ambry Genetics); PubMed 30046661 (cited by Labcorp Genetics (formerly Invitae), Labcorp and Ambry Genetics); PubMed 30557356 (cited by Labcorp Genetics (formerly Invitae), Labcorp).